The following is an entry in ClinVar:

NM_020919.4(ALS2):c.3746T>C (p.Phe1249Ser)

Gene: ALS2 (alsin Rho guanine nucleotide exchange factor ALS2; minus strand). Cytogenetic location: 2q33.1.
Variant type: single nucleotide variant.
Coding change: c.3746T>C on transcript NM_020919.4 (MANE Select); coding-DNA position 3746, T replaced by C.
Protein change: p.Phe1249Ser; replaces phenylalanine 1249 with serine.
Molecular consequence: missense variant.
Genome position (GRCh38, 1-based): chr2:201,718,167, A>G on the plus strand (T>C on the coding strand, the complement: ALS2 is on the minus strand). VCF-style: chr2-201718167-A-G. GRCh37 (hg19) VCF-style: chr2-202582890-A-G.
Other names: short protein forms F1249S.
Identifiers: ClinVar variation 412225 (VCV000412225.12), dbSNP rs551822626, ClinGen allele CA2057764.
Genomic context (GRCh38, chr2:201,718,167, plus strand): 5'-TATAGACTAGGTTTGAAGTAGGTTCCAGTGATTTTTATCCCAGATCCCCATTCTCCACTA[A>G]AATAACCTTCAATGTAGTCTCCATTTGGCATAGTCAGTGTTCCCTAGGTAAAGTCAGAGA-3'
Protein context (NP_065970.2, residues 1239-1259): MPNGDYIEGY[Phe1249Ser]SGEWGSGIKI

ClinVar aggregate classification (germline): Uncertain significance. Review status: criteria provided, multiple submitters, no conflicts (2 of 4 stars). 5 submissions from 5 submitters: Uncertain significance (5). Last evaluated 2025-11-18.

Conditions:
Infantile-onset ascending hereditary spastic paralysis (IAHSP). Also called: Infantile-Onset Ascending Hereditary Spastic Paralysis (IAHSP); Autosomal Recessive Juvenile Amyotrophic Lateral Sclerosis. Identifiers: Orphanet 293168, MedGen C2931441, MONDO:0011797, OMIM 607225. Disease mechanism: loss of function.
Hereditary spastic paraplegia. Also called: Familial spastic paraparesis. Identifiers: Orphanet 685, MedGen C0037773, MONDO:0019064. Disease mechanism: loss of function.

Allele frequency attached by ClinVar (database versions not stated): gnomAD 0.00014 and 0.00012; 1000 Genomes Project 30x 0.00016; 1000 Genomes Project 0.00020; TOPMed 0.00022; ExAC 0.00001; gnomAD exomes 0.00001 and 0.00002.
gnomAD v4.1: 33 of 1,613,566 alleles (0.002%); highest among the groups gnomAD compares: Admixed American, 0.045%; no homozygotes.

Submissions (5):

Women's Health and Genetics/Laboratory Corporation of America, LabCorp
Classification: Uncertain significance. Last evaluated: 2025-11-18. Review status: criteria provided, single submitter. Criteria: LabCorp Variant Classification Summary - May 2015. Collection method: clinical testing. Allele origin: germline.
Comment: Variant summary: ALS2 c.3746T>C (p.Phe1249Ser) results in a non-conservative amino acid change in the encoded protein sequence. Algorithms developed to predict the effect of missense changes on protein structure and function are either unavailable or do not agree on the potential impact of this missense change. The variant allele was found at a frequency of 2e-05 in 249488 control chromosomes (gnomAD). The available data on variant occurrences in the general population are insufficient to allow any conclusion about variant significance. c.3746T>C has been observed in one individual affected with hereditary spastic paraplegias (Morais_2017). The report does not provide unequivocal conclusions about association of the variant with ALS2-Related Disorders. To our knowledge, no experimental evidence demonstrating an impact on protein function has been reported. The following publication have been ascertained in the context of this evaluation (PMID: 28832565). ClinVar contains an entry for this variant (Variation ID: 412225). Based on the evidence outlined above, the variant was classified as uncertain significance.

GeneDx
Classification: Uncertain significance. Last evaluated: 2023-08-25. Review status: criteria provided, single submitter. Criteria: GeneDx Variant Classification Process June 2021. Collection method: clinical testing. Allele origin: germline. Affected: yes.
Comment: In silico analysis supports that this missense variant has a deleterious effect on protein structure/function; Has not been previously published as pathogenic or benign to our knowledge

Labcorp Genetics (formerly Invitae), Labcorp
Classification: Uncertain significance for Infantile-onset ascending hereditary spastic paralysis. Last evaluated: 2022-08-04. Review status: criteria provided, single submitter. Criteria: Invitae Variant Classification Sherloc (09022015). Collection method: clinical testing. Allele origin: germline.
Comment: This sequence change replaces phenylalanine, which is neutral and non-polar, with serine, which is neutral and polar, at codon 1249 of the ALS2 protein (p.Phe1249Ser). This variant is present in population databases (rs551822626, gnomAD 0.01%). This missense change has been observed in individual(s) with hereditary spastic paraplegia (PMID: 28832565). ClinVar contains an entry for this variant (Variation ID: 412225). Algorithms developed to predict the effect of missense changes on protein structure and function are either unavailable or do not agree on the potential impact of this missense change (SIFT: "Deleterious"; PolyPhen-2: "Probably Damaging"; Align-GVGD: "Class C0"). In summary, the available evidence is currently insufficient to determine the role of this variant in disease. Therefore, it has been classified as a Variant of Uncertain Significance.

Athena Diagnostics
Classification: Uncertain significance. Last evaluated: 2021-07-28. Review status: criteria provided, single submitter. Criteria: Athena Diagnostics Criteria. Collection method: clinical testing. Allele origin: unknown.

Unit for Genetic & Epidemiological Research on Neurological Disorders, Instituto de Investigação e Inovação em Saúde
Classification: Uncertain significance for Hereditary spastic paraplegia. Last evaluated: 2017-03-07. Review status: criteria provided, single submitter. Criteria: Morais et al. (Eur J Hum Genet. 2017). Collection method: research. Allele origin: unknown. Affected: yes.

Literature cited by the submitters: PubMed 28832565 (cited by 3 submitters).